The following is an entry in ClinVar:

NM_006623.4(PHGDH):c.880_882delinsACGACGA (p.Arg294fs)

Gene: PHGDH (phosphoglycerate dehydrogenase; plus strand). Cytogenetic location: 1p12.
Variant type: Indel.
Coding change: c.880_882delinsACGACGA on transcript NM_006623.4 (MANE Select); coding-DNA positions 880 to 882, CGC replaced by ACGACGA.
Protein change: p.Arg294fs; shifts the reading frame from arginine 294.
Molecular consequence: frameshift variant.
Genome position (GRCh38, 1-based): chr1:119,737,201-119,737,203, CGC replaced by ACGACGA. VCF-style: chr1-119737201-CGC-ACGACGA. GRCh37 (hg19) VCF-style: chr1-120279824-CGC-ACGACGA.
Other names: short protein forms R294fs.
Identifiers: ClinVar variation 5010695 (VCV005010695.1).

ClinVar aggregate classification (germline): Pathogenic (1 of 4 stars; one submission).

Conditions:
Neurometabolic disorder due to serine deficiency. Identifiers: Orphanet 35705, MedGen C5680148, MONDO:0018162.

Submission:

Myriad Genetics, Inc.
Classification: Pathogenic for Neurometabolic disorder due to serine deficiency. Last evaluated: 2024-05-14. Review status: criteria provided, single submitter. Criteria: Myriad Autosomal Dominant, Autosomal Recessive and X-Linked Classification Criteria (2023). Collection method: clinical testing. Allele origin: unknown.
Comment: NM_006623.3(PHGDH):c.880_882del3ins7(R294Tfs*102) is expected to be pathogenic in the context of serine deficiency disorder, PHGDH-related. This variant is predicted to lead to an abnormal or absent protein product due to the creation of a premature termination codon in PHGDH, a gene where loss-of-function variants are known to be pathogenic. Please note: this variant was assessed in the context of healthy population screening.